The following is an entry in ClinVar:

NM_002292.4(LAMB2):c.4370G>A (p.Arg1457Gln)

Gene: LAMB2 (laminin subunit beta 2; minus strand). Cytogenetic location: 3p21.31.
Variant type: single nucleotide variant.
Coding change: c.4370G>A on transcript NM_002292.4 (MANE Select); coding-DNA position 4370, G replaced by A.
Protein change: p.Arg1457Gln; replaces arginine 1457 with glutamine.
Molecular consequence: missense variant.
Genome position (GRCh38, 1-based): chr3:49,122,907, C>T on the plus strand (G>A on the coding strand, the complement: LAMB2 is on the minus strand). VCF-style: chr3-49122907-C-T. GRCh37 (hg19) VCF-style: chr3-49160340-C-T.
Other names: p.Arg1457Gln; short protein forms R1457Q.
Identifiers: ClinVar variation 450393 (VCV000450393.20), dbSNP rs148818522, ClinGen allele CA2393803.

ClinVar aggregate classification (germline): Benign/Likely benign. Review status: criteria provided, multiple submitters, no conflicts (2 of 4 stars). 6 submissions from 5 submitters: Benign (4); Likely benign (2). Last evaluated 2026-02-01.

Conditions:
Pierson syndrome. Also called: MICROCORIA-CONGENITAL NEPHROTIC SYNDROME. Identifiers: Orphanet 2670, MedGen C1836876, MONDO:0012184, OMIM 609049.
LAMB2-related infantile-onset nephrotic syndrome. Also called: NEPHROTIC SYNDROME, TYPE 5, WITHOUT OCULAR ABNORMALITIES; NEPHROTIC SYNDROME, TYPE 5, WITH OCULAR ABNORMALITIES; Nephrotic Syndrome, type 5. Identifiers: Orphanet 306507, MedGen C3280113, MONDO:0013621, OMIM 614199.
Kidney disorder. Also called: Nephropathy; renal disease; renal disorder; Kidney Diseases; Kidney disease. Identifiers: MedGen C0022658, MONDO:0005240, HP:0000112.

Allele frequency attached by ClinVar (database versions not stated): gnomAD 0.00029 and 0.00044; TOPMed 0.00078; ExAC 0.00097; 1000 Genomes Project 30x 0.00297; 1000 Genomes Project 0.00300.

Submissions (6):

Labcorp Genetics (formerly Invitae), Labcorp
Classification: Benign for LAMB2-related infantile-onset nephrotic syndrome; Pierson syndrome. Last evaluated: 2026-02-01. Review status: criteria provided, single submitter. Criteria: Invitae Variant Classification Sherloc (09022015). Collection method: clinical testing. Allele origin: germline.

Mayo Clinic Laboratories, Mayo Clinic
Classification: Likely benign. Last evaluated: 2025-10-12. Review status: criteria provided, single submitter. Criteria: ACMG Guidelines, 2015. Collection method: clinical testing. Allele origin: germline. Observed: 1 variant allele.
Comment: BS1, BP4

GeneDx
Classification: Benign. Last evaluated: 2020-12-28. Review status: criteria provided, single submitter. Criteria: GeneDx Variant Classification Process June 2021. Collection method: clinical testing. Allele origin: germline. Affected: yes.
Comment: This variant is associated with the following publications: (PMID: 18594871, 20556798)

Illumina Laboratory Services, Illumina
Classification: Benign for LAMB2-related infantile-onset nephrotic syndrome. Last evaluated: 2017-10-06. Review status: criteria provided, single submitter. Criteria: ICSL Variant Classification Criteria 13 December 2019. Collection method: clinical testing. Allele origin: germline.
Comment: This variant was observed as part of a predisposition screen in an ostensibly healthy population. A literature search was performed for the gene, cDNA change, and amino acid change (where applicable). Publications were found based on this search. The evidence from the literature, in combination with allele frequency data from public databases where available, was sufficient to rule this variant out of causing disease. Therefore, this variant is classified as benign.

Illumina Laboratory Services, Illumina
Classification: Benign for Pierson syndrome. Last evaluated: 2017-10-06. Review status: criteria provided, single submitter. Criteria: ICSL Variant Classification Criteria 13 December 2019. Collection method: clinical testing. Allele origin: germline.
Comment: the same text as in the submission from Illumina Laboratory Services, Illumina above.

Genome Diagnostics Laboratory, The Hospital for Sick Children
Classification: Likely benign for Kidney disorder. Last evaluated: 2016-12-12. Review status: criteria provided, single submitter. Criteria: ACMG Guidelines, 2015. Collection method: clinical testing. Allele origin: germline.

Literature cited by the submitters: PubMed 20556798 (cited by Illumina Laboratory Services, Illumina); PubMed 18594871 (cited by Illumina Laboratory Services, Illumina).